The following is an entry in ClinVar:

NM_018230.3(NUP133):c.181C>T (p.Arg61Trp)

Genes: NUP133 (nucleoporin 133; minus strand), LOC129932732 (ATAC-STARR-seq lymphoblastoid silent region 1931; plus strand). Cytogenetic location: 1q42.13.
Variant type: single nucleotide variant.
Coding change: c.181C>T on transcript NM_018230.3 (MANE Select); coding-DNA position 181, C replaced by T.
Protein change: p.Arg61Trp; replaces arginine 61 with tryptophan.
Molecular consequence: missense variant.
Genome position (GRCh38, 1-based): chr1:229,508,069, G>A on the plus strand (C>T on the coding strand, the complement: NUP133 is on the minus strand). VCF-style: chr1-229508069-G-A. GRCh37 (hg19) VCF-style: chr1-229643816-G-A.
Other names: short protein forms R61W.
Identifiers: ClinVar variation 3881673 (VCV003881673.2).

ClinVar aggregate classification (germline): Uncertain significance. Review status: criteria provided, multiple submitters, no conflicts (2 of 4 stars). 2 submissions from 2 submitters: Uncertain significance (2). Last evaluated 2025-09-30.

gnomAD v4.1: 19 of 1,486,150 alleles (0.0013%); highest among the groups gnomAD compares: Non-Finnish European, 0.0016%; no homozygotes.

Submissions (2):

Labcorp Genetics (formerly Invitae), Labcorp
Classification: Uncertain significance. Last evaluated: 2025-09-30. Review status: criteria provided, single submitter. Criteria: Invitae Variant Classification Sherloc (09022015). Collection method: clinical testing. Allele origin: germline.
Comment: This sequence change replaces arginine, which is basic and polar, with tryptophan, which is neutral and slightly polar, at codon 61 of the NUP133 protein (p.Arg61Trp). The frequency data for this variant in the population databases is considered unreliable, as metrics indicate poor data quality at this position in the gnomAD database. This variant has not been reported in the literature in individuals affected with NUP133-related conditions. ClinVar contains an entry for this variant (Variation ID: 3881673). An algorithm developed to predict the effect of missense changes on protein structure and function (PolyPhen-2) suggests that this variant is likely to be disruptive. In summary, the available evidence is currently insufficient to determine the role of this variant in disease. Therefore, it has been classified as a Variant of Uncertain Significance.

Ambry Genetics
Classification: Uncertain significance. Last evaluated: 2025-01-19. Review status: criteria provided, single submitter. Criteria: Ambry Variant Classification Scheme 2023. Collection method: clinical testing. Allele origin: germline.